The following is an entry in ClinVar:

ClinVar aggregate classification (germline): Uncertain significance (1 of 4 stars; one submission).

Conditions:
Colorectal cancer, hereditary nonpolyposis, type 7. Identifiers: Orphanet 144, MedGen C1858380, MONDO:0013725, OMIM 614385.

Allele frequency attached by ClinVar (database versions not stated): gnomAD exomes below 0.00001.
gnomAD v4.1: 1 of 1,595,798 alleles (0.000063%); highest among the groups gnomAD compares: Non-Finnish European, 0.000086%; no homozygotes.

Submission:

Labcorp Genetics (formerly Invitae), Labcorp
Classification: Uncertain significance for Colorectal cancer, hereditary nonpolyposis, type 7. Last evaluated: 2021-05-13. Review status: criteria provided, single submitter. Criteria: Invitae Variant Classification Sherloc (09022015). Collection method: clinical testing. Allele origin: germline.
Comment: In summary, the available evidence is currently insufficient to determine the role of this variant in disease. Therefore, it has been classified as a Variant of Uncertain Significance. This variant has not been reported in the literature in individuals with MLH3-related conditions. This variant is not present in population databases (ExAC no frequency). This sequence change creates a premature translational stop signal (p.Tyr1177*) in the MLH3 gene. It is expected to result in an absent or disrupted protein product. However, the current clinical and genetic evidence is not sufficient to establish whether loss-of-function variants in MLH3 cause disease.

NM_001040108.2(MLH3):c.3531T>A (p.Tyr1177Ter)

Gene: MLH3 (mutL homolog 3; minus strand). Cytogenetic location: 14q24.3.
Variant type: single nucleotide variant.
Coding change: c.3531T>A on transcript NM_001040108.2 (MANE Select); coding-DNA position 3531, T replaced by A.
Protein change: p.Tyr1177Ter; replaces tyrosine 1177 with a stop codon.
Molecular consequence: nonsense.
Genome position (GRCh38, 1-based): chr14:75,039,950, A>T on the plus strand (T>A on the coding strand, the complement: MLH3 is on the minus strand). VCF-style: chr14-75039950-A-T. GRCh37 (hg19) VCF-style: chr14-75506653-A-T.
Other names: c.3531T>A, p.Tyr1177Ter (NM_014381.3); short protein forms Y1177*.
Identifiers: ClinVar variation 1351282 (VCV001351282.6), dbSNP rs2139473674, ClinGen allele CA390428567.